The following is an entry in ClinVar:

NM_014249.4(NR2E3):c.748-11_748-8del

Gene: NR2E3 (nuclear receptor subfamily 2 group E member 3; plus strand). Cytogenetic location: 15q23.
Variant type: Deletion.
Coding change: c.748-11_748-8del on transcript NM_014249.4 (MANE Select); 11 bases into the intron before coding-DNA position 748 through 8 bases into the intron before coding-DNA position 748, 4 bases deleted (TCTG; older notation c.748-11_748-8delTCTG).
Molecular consequence: intron variant.
Genome position (GRCh38, 1-based): chr15:71,813,378-71,813,381, TCTG deleted; deleting any 4 consecutive bases within chr15:71,813,375-71,813,381 gives the same sequence; the c. name uses the placement nearest the transcript's 3' end. VCF-style (leftmost placement, unchanged base first): chr15-71813374-CCTGT-C. GRCh37 (hg19) VCF-style: chr15-72105714-CCTGT-C.
Other names: c.748-11_748-8del (NM_016346.4).
Identifiers: ClinVar variation 1587903 (VCV001587903.9), dbSNP rs1387719036, ClinGen allele CA715430747.

ClinVar aggregate classification (germline): Conflicting classifications of pathogenicity. Review status: criteria provided, conflicting classifications (1 of 4 stars). 2 submissions from 2 submitters: Uncertain significance (1); Likely benign (1). Last evaluated 2026-06-01.

Conditions:
ENHANCED S-CONE SYNDROME 1 (ESCS1). Also called: RETINOSCHISIS WITH EARLY HEMERALOPIA; FAVRE HYALOIDEORETINAL DEGENERATION. Identifiers: MedGen CN380299, OMIM 268100.

Submissions (2):

Myriad Genetics, Inc.
Classification: Uncertain significance for ENHANCED S-CONE SYNDROME 1. Last evaluated: 2026-06-01. Review status: criteria provided, single submitter. Criteria: Myriad Autosomal Dominant, Autosomal Recessive and X-Linked Classification Criteria (2023). Collection method: clinical testing. Allele origin: unknown.
Comment: NM_014249.2(NR2E3):c.748-11_748-8delTCTG is an intronic variant classified as a variant of uncertain significance in the context of enhanced S-cone syndrome. c.748-11_748-8delTCTG has not been observed in cases with relevant disease. Relevant functional assessments of this variant are not available in the literature. c.748-11_748-8delTCTG has not been observed in referenced population frequency databases. In summary, there is insufficient evidence to classify NM_014249.2(NR2E3):c.748-11_748-8delTCTG as pathogenic or benign. Please note: this variant was assessed in the context of healthy population screening.

Labcorp Genetics (formerly Invitae), Labcorp
Classification: Likely benign. Last evaluated: 2022-02-08. Review status: criteria provided, single submitter. Criteria: Invitae Variant Classification Sherloc (09022015). Collection method: clinical testing. Allele origin: germline.